The following is an entry in ClinVar:

NM_000155.4(GALT):c.252+1G>A

Genes: GALT (galactose-1-phosphate uridylyltransferase; plus strand), LOC130001683 (ATAC-STARR-seq lymphoblastoid active region 28314; plus strand). Cytogenetic location: 9p13.3.
Variant type: single nucleotide variant.
Coding change: c.252+1G>A on transcript NM_000155.4 (MANE Select); the canonical splice donor site of the intron after coding-DNA position 252, G replaced by A.
Molecular consequence: splice donor variant.
Genome position (GRCh38, 1-based): chr9:34,647,259, G>A. VCF-style: chr9-34647259-G-A. GRCh37 (hg19) VCF-style: chr9-34647256-G-A.
Other names: c.252+1G>A (NM_000155.3); c.50+1G>A (NM_001258332.2).
Identifiers: ClinVar variation 813466 (VCV000813466.11), dbSNP rs768154316, ClinGen allele CA5036043.

ClinVar aggregate classification (germline): Pathogenic. Review status: criteria provided, multiple submitters, no conflicts (2 of 4 stars). 4 submissions from 4 submitters: Pathogenic (4). Last evaluated 2025-08-06.

Conditions:
Deficiency of UDPglucose-hexose-1-phosphate uridylyltransferase. Also called: GALT deficiency; Galactosemia, classic; Transferase Deficiency Galactosemia; GALACTOSEMIA I; GALACTOSE-1-PHOSPHATE URIDYLYLTRANSFERASE DEFICIENCY. Identifiers: Orphanet 352, Orphanet 79239, MedGen C0268151, MONDO:0009258, OMIM 230400.
Galactosemia. Also called: Galactose intolerance. Identifiers: Orphanet 352, MedGen C0016952, MONDO:0018116, HP:0004919. Disease mechanism: loss of function.

Allele frequency attached by ClinVar (database versions not stated): gnomAD exomes below 0.00001 and 0.00001; ExAC 0.00001.
gnomAD v4.1: 2 of 1,614,094 alleles (0.00012%); highest among the groups gnomAD compares: East Asian, 0.0045%; no homozygotes.

Submissions (4):

Natera, Inc.
Classification: Pathogenic for Galactosemia. Last evaluated: 2025-08-06. Review status: criteria provided, single submitter. Criteria: Natera Variant Classification Schema (03/2026). Collection method: clinical testing. Allele origin: germline.
Comment: The c.252+1G>A variant in GALT is a canonical splice donor site variant predicted to affect pre-mRNA splicing, which may result in an abnormal transcript and altered protein product. This variant is expected to result in nonsense mediated decay, truncation, or a dysfunctional protein product. This variant is rare in the general population with a frequency below the threshold expected for the associated phenotype(s). This variant has been observed in one or more individuals affected with the associated recessive disease, as either homozygous or compound heterozygous with a second variant (PMID: 21150919). Given the available evidence, this variant is classified as Pathogenic.

Mayo Clinic Laboratories, Mayo Clinic
Classification: Pathogenic. Last evaluated: 2024-01-30. Review status: criteria provided, single submitter. Criteria: ACMG Guidelines, 2015. Collection method: clinical testing. Allele origin: germline. Observed: 1 variant allele.
Comment: PP4, PM2, PM3, PVS1

Labcorp Genetics (formerly Invitae), Labcorp
Classification: Pathogenic for Deficiency of UDPglucose-hexose-1-phosphate uridylyltransferase. Last evaluated: 2020-06-27. Review status: criteria provided, single submitter. Criteria: Invitae Variant Classification Sherloc (09022015). Collection method: clinical testing. Allele origin: germline.
Comment: For these reasons, this variant has been classified as Pathogenic. Donor and acceptor splice site variants typically lead to a loss of protein function (PMID: 16199547), and loss-of-function variants in GALT are known to be pathogenic (PMID: 22944367). Experimental studies have shown that this variant disrupts mRNA splicing (PMID: 21150919). This variant has been observed in individual(s) with classical galactosemia (PMID: 21150919). ClinVar contains an entry for this variant (Variation ID: 813466). This variant is present in population databases (rs768154316, ExAC 0.01%). This sequence change affects a donor splice site in intron 2 of the GALT gene. It is expected to disrupt RNA splicing and likely results in an absent or disrupted protein product.

Baylor Genetics
Classification: Pathogenic for Deficiency of UDPglucose-hexose-1-phosphate uridylyltransferase. Review status: criteria provided, single submitter. Criteria: ACMG Guidelines, 2015. Collection method: clinical testing. Allele origin: germline.

Literature cited by the submitters: PubMed 21150919 (cited by 3 submitters); PubMed 16199547 (cited by Labcorp Genetics (formerly Invitae), Labcorp); PubMed 22944367 (cited by Labcorp Genetics (formerly Invitae), Labcorp).